The following is an entry in ClinVar:

ClinVar aggregate classification (germline): Benign/Likely benign. Review status: criteria provided, multiple submitters, no conflicts (2 of 4 stars). 2 submissions from 2 submitters: Benign (1); Likely benign (1). Last evaluated 2026-07-08.

Conditions:
Rhabdoid tumor predisposition syndrome 2 (RTPS2). Identifiers: Orphanet 231108, Orphanet 69077, MedGen C2750074, MONDO:0013224, OMIM 613325.

Submissions (2):

Myriad Genetics, Inc.
Classification: Benign for Rhabdoid tumor predisposition syndrome 2. Last evaluated: 2026-07-08. Review status: criteria provided, single submitter. Criteria: Myriad Autosomal Dominant, Autosomal Recessive and X-Linked Classification Criteria (2023). Collection method: clinical testing. Allele origin: unknown.
Comment: This variant is considered benign. This variant is a silent/synonymous amino acid change and it is not expected to impact splicing.

Labcorp Genetics (formerly Invitae), Labcorp
Classification: Likely benign for Rhabdoid tumor predisposition syndrome 2. Last evaluated: 2019-11-21. Review status: criteria provided, single submitter. Criteria: Invitae Variant Classification Sherloc (09022015). Collection method: clinical testing. Allele origin: germline.

NM_003072.5(SMARCA4):c.51C>G (p.Ser17=)

Gene: SMARCA4 (SWI/SNF related BAF chromatin remodeling complex subunit ATPase 4; plus strand). Cytogenetic location: 19p13.2.
Variant type: single nucleotide variant.
Coding change: c.51C>G on transcript NM_003072.5 (MANE Select); coding-DNA position 51, C replaced by G.
Protein change: p.Ser17=; no amino-acid change (serine 17 retained).
Molecular consequence: synonymous variant. On other transcripts: non-coding transcript variant (1).
Genome position (GRCh38, 1-based): chr19:10,984,202, C>G. VCF-style: chr19-10984202-C-G. GRCh37 (hg19) VCF-style: chr19-11094878-C-G.
Other names: c.51C>G, p.Ser17= (NM_001128844.3, NM_001128845.2, NM_001128846.2 and 4 more transcripts).
Identifiers: ClinVar variation 762695 (VCV000762695.11), dbSNP rs1438233071, ClinGen allele CA505487111.